The following is an entry in ClinVar:

ClinVar aggregate classification (germline): Likely benign (1 of 4 stars; one submission).

Submission:

CeGaT Center for Human Genetics Tuebingen
Classification: Likely benign. Last evaluated: 2026-01-01. Review status: criteria provided, single submitter. Criteria: CeGaT Center For Human Genetics Tuebingen Variant Classification Criteria Version 2. Collection method: clinical testing. Allele origin: germline. Affected: yes. Observed: 1 variant allele.
Comment: SIN3A: PM2:Supporting, BP4, BP7

NM_001145358.2(SIN3A):c.2565T>C (p.Asn855=)

Gene: SIN3A (SIN3 transcription regulator family member A; minus strand). Cytogenetic location: 15q24.2.
Variant type: single nucleotide variant.
Coding change: c.2565T>C on transcript NM_001145358.2 (MANE Select); coding-DNA position 2565, T replaced by C.
Protein change: p.Asn855=; no amino-acid change (asparagine 855 retained).
Molecular consequence: synonymous variant.
Genome position (GRCh38, 1-based): chr15:75,392,528, A>G on the plus strand (T>C on the coding strand, the complement: SIN3A is on the minus strand). VCF-style: chr15-75392528-A-G. GRCh37 (hg19) VCF-style: chr15-75684869-A-G.
Other names: c.2565T>C, p.Asn855= (NM_001145357.2, NM_001437462.1, NM_001437463.1 and 1 more transcripts).
Identifiers: ClinVar variation 4822693 (VCV004822693.4).